The following is an entry in ClinVar:

NM_000061.3(BTK):c.1757T>C (p.Leu586Ser)

Gene: BTK (Bruton tyrosine kinase; minus strand). Cytogenetic location: Xq22.1.
Variant type: single nucleotide variant.
Coding change: c.1757T>C on transcript NM_000061.3 (MANE Select); coding-DNA position 1757, T replaced by C.
Protein change: p.Leu586Ser; replaces leucine 586 with serine.
Molecular consequence: missense variant.
Genome position (GRCh38, 1-based): chrX:101,353,345, A>G on the plus strand (T>C on the coding strand, the complement: BTK is on the minus strand). VCF-style: chrX-101353345-A-G. GRCh37 (hg19) VCF-style: chrX-100608333-A-G.
Other names: c.1859T>C, p.Leu620Ser (NM_001287344.2); c.1229T>C, p.Leu410Ser (NM_001287345.2); short protein forms L586S, L410S, L620S.
Identifiers: ClinVar variation 424124 (VCV000424124.2), dbSNP rs1064796809, ClinGen allele CA16621156.
Genomic context (GRCh38, chrX:101,353,345, plus strand): 5'-GTCTCACTGTTAGTAAATCTCTCATATGGCATCTTCCCCAGGGAGTAAATTTCCCACATC[A>G]AAACCCCTAGAAGGTGAAAAAAATTATTAAATTGGTTTGCAGTCTTTTTGGATAGCAGGG-3'
Protein context (NP_000052.1, residues 576-596): SKSDIWAFGV[Leu586Ser]MWEIYSLGKM

ClinVar aggregate classification (germline): Likely pathogenic (1 of 4 stars; one submission).

Submission:

GeneDx
Classification: Likely pathogenic. Last evaluated: 2017-09-19. Review status: criteria provided, single submitter. Criteria: GeneDx Variant Classification (06012015). Collection method: clinical testing. Allele origin: germline. Affected: yes.
Comment: The L586S variant has not been published as a pathogenic variant, nor has it been reported as a benign variant to our knowledge. The variant is not observed in large population cohorts (Lek et al., 2016; 1000 Genomes Consortium et al., 2015; Exome Variant Server). L586S is a non-conservative amino acid substitution, which is likely to impact secondary protein structure as these residues differ in polarity, charge, size and/or other properties. This substitution occurs at a position within the CAV1-binding motif that is conserved across species; the CAV1-binding motif is critical for regulation of the BTK protein (Vargas et al., 2002). In silico analysis predicts this variant is probably damaging to the protein structure/function. Missense variants in nearby residues (F583L/V/S, G584V/R/E, V585A/F, M587L/T, W588G/R/C, E589K/G/D) have been reported in the Human Gene Mutation Database in association with X-linked agammaglobulinemia (Stenson et al., 2014), supporting the functional importance of this region of the protein. In summary, this variant is likely pathogenic; however, the possibility that it is benign cannot be excluded.